The following is an entry in ClinVar:

ClinVar aggregate classification (germline): Uncertain significance (1 of 4 stars; one submission).

Conditions:
Hereditary cancer-predisposing syndrome. Also called: Neoplastic Syndromes, Hereditary; Hereditary Cancer Syndrome; Tumor predisposition; Hereditary neoplastic syndrome. Identifiers: Orphanet 140162, MedGen C0027672, MeSH D009386, MONDO:0015356.

Submission:

Ambry Genetics
Classification: Uncertain significance for Hereditary cancer-predisposing syndrome. Last evaluated: 2025-01-07. Review status: criteria provided, single submitter. Criteria: Ambry Variant Classification Scheme 2023. Collection method: clinical testing. Allele origin: germline.
Comment: The p.V528G variant (also known as c.1583T>G), located in coding exon 12 of the POLD1 gene, results from a T to G substitution at nucleotide position 1583. The valine at codon 528 is replaced by glycine, an amino acid with dissimilar properties. This amino acid position is conserved. In addition, this alteration is predicted to be tolerated by in silico analysis. Based on the available evidence, the clinical significance of this variant remains unclear.

NM_002691.4(POLD1):c.1583T>G (p.Val528Gly)

Gene: POLD1 (DNA polymerase delta 1, catalytic subunit; plus strand). Cytogenetic location: 19q13.33.
Variant type: single nucleotide variant.
Coding change: c.1583T>G on transcript NM_002691.4 (MANE Select); coding-DNA position 1583, T replaced by G.
Protein change: p.Val528Gly; replaces valine 528 with glycine.
Molecular consequence: missense variant. On other transcripts: non-coding transcript variant (1).
Genome position (GRCh38, 1-based): chr19:50,407,071, T>G. VCF-style: chr19-50407071-T-G. GRCh37 (hg19) VCF-style: chr19-50910328-T-G.
Other names: c.1583T>G, p.Val528Gly (NM_001256849.1, NM_001308632.1); short protein forms V528G.
Identifiers: ClinVar variation 3781384 (VCV003781384.1).